The following is an entry in ClinVar:

NM_014491.4(FOXP2):c.982C>T (p.Arg328Ter)

Gene: FOXP2 (forkhead box P2; plus strand). Cytogenetic location: 7q31.1.
Variant type: single nucleotide variant.
Coding change: c.982C>T on transcript NM_014491.4 (MANE Select); coding-DNA position 982, C replaced by T.
Protein change: p.Arg328Ter; replaces arginine 328 with a stop codon.
Molecular consequence: nonsense. On other transcripts: non-coding transcript variant (2).
Genome position (GRCh38, 1-based): chr7:114,642,616, C>T. VCF-style: chr7-114642616-C-T. GRCh37 (hg19) VCF-style: chr7-114282671-C-T.
Other names: c.979C>T, p.Arg327Ter (NM_001172766.3); c.1057C>T, p.Arg353Ter (NM_001172767.2, NM_148898.4); c.982C>T, p.Arg328Ter (NM_148899.3); c.1033C>T, p.Arg345Ter (NM_148900.4); short protein forms R328*, R353*, R327*, R345*.
Identifiers: ClinVar variation 5068 (VCV000005068.14), dbSNP rs121908378, ClinGen allele CA117246.

ClinVar aggregate classification (germline): Pathogenic. Review status: criteria provided, multiple submitters, no conflicts (2 of 4 stars). 6 submissions from 6 submitters: Pathogenic (4). 2 of the submissions do not count toward it. Last evaluated 2025-10-09.

Conditions:
Inborn genetic diseases. Identifiers: MedGen C0950123, MeSH D030342.
Childhood apraxia of speech (SPCH1). Also called: FOXP2-Related Speech and Language Disorder; DEVELOPMENTAL VERBAL DYSPRAXIA; SPEECH AND LANGUAGE DISORDER WITH OROFACIAL DYSPRAXIA; Speech language disorder. Identifiers: Orphanet 209908, MedGen C0750927, MONDO:0011184, OMIM 602081.

gnomAD v4.1: 1 of 1,612,124 alleles (0.000062%); highest among the groups gnomAD compares: Non-Finnish European, 0.000085%; no homozygotes.

Submissions (6):

Ambry Genetics
Classification: Pathogenic for Inborn genetic diseases. Last evaluated: 2025-10-09. Review status: criteria provided, single submitter. Criteria: Ambry Variant Classification Scheme 2023. Collection method: clinical testing. Allele origin: germline.
Comment: The c.982C>T (p.R328*) alteration, located in exon 7 (coding exon 6) of the FOXP2 gene, consists of a C to T substitution at nucleotide position 982. This changes the amino acid from an arginine (R) to a stop codon at amino acid position 328. This alteration is expected to result in loss of function by premature protein truncation or nonsense-mediated mRNA decay. This variant was not reported in population-based cohorts in the Genome Aggregation Database (gnomAD). This variant was reported in individuals with features consistent with FOXP2-related speech-language disorder (MacDermot, 2005; Reuter, 2017; Morison, 2023). In vitro functional studies demonstrated that protein with this alteration lacks DNA binding, transactivation activity, correct nuclear localization, dimerization, and normal protein interactions (Estruch, 2016; Vernes, 2006). Based on the available evidence, this alteration is classified as pathogenic.

Centre of Medical Genetics, University Hospital Muenster
Classification: Pathogenic. Last evaluated: 2024-09-24. Review status: criteria provided, single submitter. Criteria: ACMG Guidelines, 2015. Collection method: clinical testing. Allele origin: unknown. Affected: yes. Observed: 1 variant allele, 1 heterozygote.
Comment: ACMG categories: PVS1,PS4,PM2

Victorian Clinical Genetics Services, Murdoch Childrens Research Institute
Classification: Pathogenic for Childhood apraxia of speech. Last evaluated: 2022-06-24. Review status: criteria provided, single submitter. Criteria: ACMG Guidelines, 2015. Collection method: clinical testing. Allele origin: germline. Inheritance: Autosomal dominant inheritance. Affected: yes.
Comment: Based on the classification scheme VCGS_Germline_v1.3.4, this variant is classified as Pathogenic. Following criteria are met: 0102 - Loss of function is a known mechanism of disease in this gene and is associated with speech-language disorder-1 (MIM#602081). (I) 0107 - This gene is associated with autosomal dominant disease. (I) 0201 - Variant is predicted to cause nonsense-mediated decay (NMD) and loss of protein (premature termination codon is located at least 54 nucleotides upstream of the final exon-exon junction). (SP) 0251 - This variant is heterozygous. (I) 0301 - Variant is absent from gnomAD (both v2 and v3). (SP) 0701 - Other NMD predicted variants comparable to the one identified in this case have very strong previous evidence for pathogenicity (DECIPHER). (SP) 0802 - This variant has moderate previous evidence of pathogenicity in unrelated individuals. This variant has been reported in two families with speech and language difficulties, and once by a clinical laboratory in ClinVar (PMID: 15877281, 27572252). (SP) 1208 - Inheritance information for this variant is not currently available in this individual. (I) Legend: (SP) - Supporting pathogenic, (I) - Information, (SB) - Supporting benign

Institute of Medical Genetics and Applied Genomics, University Hospital Tübingen
Classification: Pathogenic. Last evaluated: 2021-02-01. Review status: criteria provided, single submitter. Criteria: ACMG Guidelines, 2015. Collection method: clinical testing. Allele origin: germline. Inheritance: Autosomal dominant inheritance. Affected: yes.

OMIM
Classification: Pathogenic for DEVELOPMENTAL VERBAL DYSPRAXIA. Last evaluated: 2012-07-01. Review status: no assertion criteria provided. Collection method: literature only. Allele origin: germline. Not counted in ClinVar's aggregate classification.

GeneReviews
No classification provided. Condition: Childhood apraxia of speech. Review status: no classification provided. Collection method: literature only. Allele origin: germline. Not counted in ClinVar's aggregate classification.

Literature cited by the submitters: PubMed 15877281 (cited by 4 submitters); PubMed 16984964 (cited by Ambry Genetics); PubMed 25232744 (cited by Ambry Genetics); PubMed 27572252 (cited by 3 submitters); PubMed 27933109 (cited by Ambry Genetics); PubMed 36328423 (cited by Ambry Genetics); PubMed 22434823 (cited by OMIM); PubMed 27336128 (cited by GeneReviews).